The following is an entry in ClinVar:

ClinVar aggregate classification (germline): Uncertain significance (1 of 4 stars; one submission).

Conditions:
RASopathy. Also called: rasopathies; Noonan spectrum disorder. Identifiers: Orphanet 536391, MedGen C5555857, MONDO:0021060.

Submission:

Labcorp Genetics (formerly Invitae), Labcorp
Classification: Uncertain significance for RASopathy. Last evaluated: 2021-06-16. Review status: criteria provided, single submitter. Criteria: Invitae Variant Classification Sherloc (09022015). Collection method: clinical testing. Allele origin: germline.
Comment: This variant is not present in population databases (ExAC no frequency). This sequence change replaces serine with threonine at codon 174 of the MAP2K2 protein (p.Ser174Thr). The serine residue is highly conserved and there is a small physicochemical difference between serine and threonine. In summary, the available evidence is currently insufficient to determine the role of this variant in disease. Therefore, it has been classified as a Variant of Uncertain Significance. Algorithms developed to predict the effect of missense changes on protein structure and function (SIFT, PolyPhen-2, Align-GVGD) all suggest that this variant is likely to be tolerated, but these predictions have not been confirmed by published functional studies and their clinical significance is uncertain. This variant has not been reported in the literature in individuals with MAP2K2-related conditions.

NM_030662.4(MAP2K2):c.521G>C (p.Ser174Thr)

Gene: MAP2K2 (mitogen-activated protein kinase kinase 2; minus strand). Cytogenetic location: 19p13.3.
Variant type: single nucleotide variant.
Coding change: c.521G>C on transcript NM_030662.4 (MANE Select); coding-DNA position 521, G replaced by C.
Protein change: p.Ser174Thr; replaces serine 174 with threonine.
Molecular consequence: missense variant.
Genome position (GRCh38, 1-based): chr19:4,102,383, C>G on the plus strand (G>C on the coding strand, the complement: MAP2K2 is on the minus strand). VCF-style: chr19-4102383-C-G. GRCh37 (hg19) VCF-style: chr19-4102381-C-G.
Other names: short protein forms S174T.
Identifiers: ClinVar variation 1375883 (VCV001375883.8), dbSNP rs2145057459, ClinGen allele CA403390054.